The following is an entry in ClinVar:

ClinVar aggregate classification (germline): Benign. Review status: criteria provided, multiple submitters, no conflicts (2 of 4 stars). 2 submissions from 2 submitters: Benign (2). Last evaluated 2018-06-19.

Allele frequency attached by ClinVar (database versions not stated): 1000 Genomes Project 30x 0.04388; 1000 Genomes Project 0.04393.
gnomAD v4.1: 93,264 of 1,206,180 alleles (7.7%); highest among the groups gnomAD compares: Middle Eastern, 11%; 4,101 homozygotes.

Submissions (2):

GeneDx
Classification: Benign. Last evaluated: 2018-06-19. Review status: criteria provided, single submitter. Criteria: GeneDx Variant Classification (06012015). Collection method: clinical testing. Allele origin: germline. Affected: yes.
Comment: This variant is considered likely benign or benign based on one or more of the following criteria: it is a conservative change, it occurs at a poorly conserved position in the protein, it is predicted to be benign by multiple in silico algorithms, and/or has population frequency not consistent with disease.

Breakthrough Genomics
Classification: Benign. Review status: criteria provided, single submitter. Criteria: ACMG Guidelines, 2015. Collection method: not provided. Allele origin: germline. Inheritance: Autosomal recessive inheritance. Affected: yes.

NM_001849.4(COL6A2):c.1333-80C>T

Gene: COL6A2 (collagen type VI alpha 2 chain; plus strand). Cytogenetic location: 21q22.3.
Variant type: single nucleotide variant.
Coding change: c.1333-80C>T on transcript NM_001849.4 (MANE Select); 80 bases into the intron before coding-DNA position 1333, C replaced by T.
Molecular consequence: intron variant.
Genome position (GRCh38, 1-based): chr21:46,120,435, C>T. VCF-style: chr21-46120435-C-T. GRCh37 (hg19) VCF-style: chr21-47540349-C-T.
Other names: c.1333-80C>T (NM_058175.3, NM_058174.3).
Identifiers: ClinVar variation 680225 (VCV000680225.2), dbSNP rs79433633, ClinGen allele CA14910675.